The following is an entry in ClinVar:

NM_024079.5(ALG8):c.86T>C (p.Ile29Thr)

Gene: ALG8 (ALG8 alpha-1,3-glucosyltransferase; minus strand). Cytogenetic location: 11q14.1.
Variant type: single nucleotide variant.
Coding change: c.86T>C on transcript NM_024079.5 (MANE Select); coding-DNA position 86, T replaced by C.
Protein change: p.Ile29Thr; replaces isoleucine 29 with threonine.
Molecular consequence: missense variant.
Genome position (GRCh38, 1-based): chr11:78,139,503, A>G on the plus strand (T>C on the coding strand, the complement: ALG8 is on the minus strand). VCF-style: chr11-78139503-A-G. GRCh37 (hg19) VCF-style: chr11-77850549-A-G.
Other names: c.86T>C, p.Ile29Thr (NM_001007027.3); short protein forms I29T.
Identifiers: ClinVar variation 1025530 (VCV001025530.8), dbSNP rs1276719307, ClinGen allele CA382103847.
Genomic context (GRCh38, chr11:78,139,503, plus strand): 5'-GACCGACCGCGGGGCCTCCCCGCCCAGCCCCTGGCCGTGCGAGTCCCTTACTATGTGGGG[A>G]TGAGAAGGCATTTGAGAAGAGTCACCCCGAGCGCCAAAGCCGAAAACCAATTGCCAGTAC-3'
Protein context (NP_076984.2, residues 19-39): LGVTLLKCLL[Ile29Thr]PTYHSTDFEV

ClinVar aggregate classification (germline): Uncertain significance (1 of 4 stars; one submission).

Conditions:
ALG8 congenital disorder of glycosylation. Also called: CONGENITAL DISORDER OF GLYCOSYLATION, TYPE Ih; ALG8-CDG; CDG Ih. Identifiers: Orphanet 79325, MedGen C2931002, MONDO:0011969, OMIM 608104.

Allele frequency attached by ClinVar (database versions not stated): gnomAD exomes below 0.00001; gnomAD 0.00001; TOPMed 0.00001.
gnomAD v4.1: 5 of 1,558,804 alleles (0.00032%); highest among the groups gnomAD compares: Admixed American, 0.0019%; no homozygotes.

Submission:

Labcorp Genetics (formerly Invitae), Labcorp
Classification: Uncertain significance for ALG8 congenital disorder of glycosylation. Last evaluated: 2022-08-09. Review status: criteria provided, single submitter. Criteria: Invitae Variant Classification Sherloc (09022015). Collection method: clinical testing. Allele origin: germline.
Comment: This variant has not been reported in the literature in individuals affected with ALG8-related conditions. In summary, the available evidence is currently insufficient to determine the role of this variant in disease. Therefore, it has been classified as a Variant of Uncertain Significance. Algorithms developed to predict the effect of missense changes on protein structure and function are either unavailable or do not agree on the potential impact of this missense change (SIFT: "Deleterious"; PolyPhen-2: "Possibly Damaging"; Align-GVGD: "Class C0"). ClinVar contains an entry for this variant (Variation ID: 1025530). This variant is not present in population databases (gnomAD no frequency). This sequence change replaces isoleucine, which is neutral and non-polar, with threonine, which is neutral and polar, at codon 29 of the ALG8 protein (p.Ile29Thr).